The following is an entry in ClinVar:

ClinVar aggregate classification (germline): Conflicting classifications of pathogenicity. Review status: criteria provided, conflicting classifications (1 of 4 stars). 2 submissions from 2 submitters: Uncertain significance (1); Likely benign (1). Last evaluated 2025-03-31.

Conditions:
Cardiomyopathy (CMYO). Also called: Cardiomyopathies. Identifiers: Orphanet 167848, MedGen C0878544, MONDO:0004994, HP:0001638. Inheritance: Various modes of inheritance.
Lethal congenital glycogen storage disease of heart. Also called: GLYCOGEN STORAGE DISEASE OF HEART; PHOSPHORYLASE KINASE DEFICIENCY OF HEART. Identifiers: Orphanet 439854, MedGen C1849813, MONDO:0009867, OMIM 261740.

Allele frequency attached by ClinVar (database versions not stated): gnomAD 0.00001; ExAC 0.00003.
gnomAD v4.1: 17 of 1,613,718 alleles (0.0011%); highest among the groups gnomAD compares: South Asian, 0.019%; 1 homozygote.

Submissions (2):

Color Diagnostics, LLC DBA Color Health
Classification: Uncertain significance for Cardiomyopathy. Last evaluated: 2025-03-31. Review status: criteria provided, single submitter. Criteria: ACMG Guidelines, 2015. Collection method: clinical testing. Allele origin: germline.
Comment: This missense variant replaces serine with cysteine at codon 162 of the PRKAG2 protein. Computational prediction suggests that this variant may not impact protein structure and function (internally defined REVEL score threshold <= 0.5, PMID: 27666373). To our knowledge, functional studies have not been reported for this variant. This variant has not been reported in individuals affected with cardiovascular disorders in the literature. This variant has been identified in 6/251414 chromosomes in the general population by the Genome Aggregation Database (gnomAD). The available evidence is insufficient to determine the role of this variant in disease conclusively. Therefore, this variant is classified as a Variant of Uncertain Significance.

Labcorp Genetics (formerly Invitae), Labcorp
Classification: Likely benign for Lethal congenital glycogen storage disease of heart. Last evaluated: 2024-08-05. Review status: criteria provided, single submitter. Criteria: Invitae Variant Classification Sherloc (09022015). Collection method: clinical testing. Allele origin: germline.

NM_016203.4(PRKAG2):c.485C>G (p.Ser162Cys)

Gene: PRKAG2 (protein kinase AMP-activated non-catalytic subunit gamma 2; minus strand). Cytogenetic location: 7q36.1.
Variant type: single nucleotide variant.
Coding change: c.485C>G on transcript NM_016203.4 (MANE Select); coding-DNA position 485, C replaced by G.
Protein change: p.Ser162Cys; replaces serine 162 with cysteine.
Molecular consequence: missense variant. On other transcripts: intron variant (5).
Genome position (GRCh38, 1-based): chr7:151,675,619, G>C on the plus strand (C>G on the coding strand, the complement: PRKAG2 is on the minus strand). VCF-style: chr7-151675619-G-C. GRCh37 (hg19) VCF-style: chr7-151372705-G-C.
Other names: c.353C>G, p.Ser118Cys (NM_001040633.2, NM_001407024.1, NM_001407026.1 and 1 more transcripts); c.485C>G, p.Ser162Cys (NM_001407023.1, NM_001407021.1, NM_001407022.1); c.113C>G, p.Ser38Cys (NM_001304527.2, NM_001407028.1, NM_001407029.1 and 1 more transcripts); c.167C>G, p.Ser56Cys (NM_001407032.1); c.467-80168C>G (NM_001407031.1); c.467-80165C>G (NM_001407030.1); c.361-43481C>G (NM_001407033.1); c.94+60281C>G (NM_001407037.1); and 1 more; short protein forms S118C, S38C, S56C, S162C.
Identifiers: ClinVar variation 2774170 (VCV002774170.5), dbSNP rs779526669, ClinGen allele CA057377.
Genomic context (GRCh38, chr7:151,675,619, plus strand): 5'-TGCTTATAGGATTCCAGGGGAAACGTGTGCTGCTTGGTCACTTGGGTGGGTGTTGACGGA[G>C]AGGAGGAGAGGCCGGAGGCTGCAGAAGAAACACCAAGGACGGTCAGAGGTCCGGCTTCCA-3'
Protein context (NP_057287.2, residues 152-172): RSRKTSGLSS[Ser162Cys]PSTPTQVTKQ